The following is an entry in ClinVar:

ClinVar aggregate classification (germline): Uncertain significance (1 of 4 stars; one submission).

Submission:

Labcorp Genetics (formerly Invitae), Labcorp
Classification: Uncertain significance. Last evaluated: 2024-04-08. Review status: criteria provided, single submitter. Criteria: Invitae Variant Classification Sherloc (09022015). Collection method: clinical testing. Allele origin: germline.
Comment: This sequence change replaces methionine, which is neutral and non-polar, with leucine, which is neutral and non-polar, at codon 1367 of the PKD1L1 protein (p.Met1367Leu). This variant is not present in population databases (gnomAD no frequency). This variant has not been reported in the literature in individuals affected with PKD1L1-related conditions. Advanced modeling of protein sequence and biophysical properties (such as structural, functional, and spatial information, amino acid conservation, physicochemical variation, residue mobility, and thermodynamic stability) performed at Invitae indicates that this missense variant is not expected to disrupt PKD1L1 protein function with a negative predictive value of 80%. In summary, the available evidence is currently insufficient to determine the role of this variant in disease. Therefore, it has been classified as a Variant of Uncertain Significance.

NM_138295.5(PKD1L1):c.4099A>C (p.Met1367Leu)

Gene: PKD1L1 (polycystin 1 like 1, transient receptor potential channel interacting; minus strand). Cytogenetic location: 7p12.3.
Variant type: single nucleotide variant.
Coding change: c.4099A>C on transcript NM_138295.5 (MANE Select); coding-DNA position 4099, A replaced by C.
Protein change: p.Met1367Leu; replaces methionine 1367 with leucine.
Molecular consequence: missense variant.
Genome position (GRCh38, 1-based): chr7:47,865,266, T>G on the plus strand (A>C on the coding strand, the complement: PKD1L1 is on the minus strand). VCF-style: chr7-47865266-T-G. GRCh37 (hg19) VCF-style: chr7-47904864-T-G.
Other names: short protein forms M1367L.
Identifiers: ClinVar variation 3649217 (VCV003649217.2).